The following is an entry in ClinVar:

ClinVar aggregate classification (germline): Pathogenic (1 of 4 stars; one submission).

Conditions:
Very long chain acyl-CoA dehydrogenase deficiency (ACADVLD). Also called: Very Long-Chain Acyl-Coenzyme A Dehydrogenase Deficiency; VLCAD Deficiency. Identifiers: Orphanet 26793, MedGen C3887523, MONDO:0008723, OMIM 201475.

Submission:

Labcorp Genetics (formerly Invitae), Labcorp
Classification: Pathogenic for Very long chain acyl-CoA dehydrogenase deficiency. Last evaluated: 2025-03-20. Review status: criteria provided, single submitter. Criteria: Invitae Variant Classification Sherloc (09022015). Collection method: clinical testing. Allele origin: germline.
Comment: This sequence change creates a premature translational stop signal (p.Glu548*) in the ACADVL gene. It is expected to result in an absent or disrupted protein product. Loss-of-function variants in ACADVL are known to be pathogenic (PMID: 9973285, 11590124). This variant is not present in population databases (gnomAD no frequency). This variant has not been reported in the literature in individuals affected with ACADVL-related conditions. Algorithms developed to predict the effect of sequence changes on RNA splicing suggest that this variant may disrupt the consensus splice site. For these reasons, this variant has been classified as Pathogenic.

Literature cited by the submitters: PubMed 9973285; PubMed 11590124.

NM_000018.4(ACADVL):c.1642G>T (p.Glu548Ter)

Gene: ACADVL (acyl-CoA dehydrogenase very long chain; plus strand). Cytogenetic location: 17p13.1.
Variant type: single nucleotide variant.
Coding change: c.1642G>T on transcript NM_000018.4 (MANE Select); coding-DNA position 1642, G replaced by T.
Protein change: p.Glu548Ter; replaces glutamic acid 548 with a stop codon.
Molecular consequence: nonsense.
Genome position (GRCh38, 1-based): chr17:7,224,516, G>T. VCF-style: chr17-7224516-G-T. GRCh37 (hg19) VCF-style: chr17-7127835-G-T.
Other names: c.1576G>T, p.Glu526Ter (NM_001033859.3); c.1711G>T, p.Glu571Ter (NM_001270447.2); c.1414G>T, p.Glu472Ter (NM_001270448.2); short protein forms E526*, E548*, E571*, E472*.
Identifiers: ClinVar variation 4715598 (VCV004715598.1).